The following is an entry in ClinVar:

NM_001013838.3(CARMIL2):c.1020C>A (p.His340Gln)

Gene: CARMIL2 (capping protein regulator and myosin 1 linker 2; plus strand). Cytogenetic location: 16q22.1.
Variant type: single nucleotide variant.
Coding change: c.1020C>A on transcript NM_001013838.3 (MANE Select); coding-DNA position 1020, C replaced by A.
Protein change: p.His340Gln; replaces histidine 340 with glutamine.
Molecular consequence: missense variant.
Genome position (GRCh38, 1-based): chr16:67,647,907, C>A. VCF-style: chr16-67647907-C-A. GRCh37 (hg19) VCF-style: chr16-67681810-C-A.
Other names: c.1020C>A, p.His340Gln (NM_001317026.3, NM_001438244.1, NM_001438835.1); short protein forms H340Q.
Identifiers: ClinVar variation 4707648 (VCV004707648.1).

ClinVar aggregate classification (germline): Uncertain significance (1 of 4 stars; one submission).

gnomAD v4.1: 9 of 1,611,620 alleles (0.00056%); highest among the groups gnomAD compares: Non-Finnish European, 0.00076%; no homozygotes.

Submission:

Labcorp Genetics (formerly Invitae), Labcorp
Classification: Uncertain significance. Last evaluated: 2025-04-13. Review status: criteria provided, single submitter. Criteria: Invitae Variant Classification Sherloc (09022015). Collection method: clinical testing. Allele origin: germline.
Comment: This sequence change replaces histidine, which is basic and polar, with glutamine, which is neutral and polar, at codon 340 of the CARMIL2 protein (p.His340Gln). This variant is not present in population databases (gnomAD no frequency). This variant has not been reported in the literature in individuals affected with CARMIL2-related conditions. Invitae Evidence Modeling of protein sequence and biophysical properties (such as structural, functional, and spatial information, amino acid conservation, physicochemical variation, residue mobility, and thermodynamic stability) indicates that this missense variant is not expected to disrupt CARMIL2 protein function with a negative predictive value of 80%. In summary, the available evidence is currently insufficient to determine the role of this variant in disease. Therefore, it has been classified as a Variant of Uncertain Significance.